The following is an entry in ClinVar:

NM_031935.3(HMCN1):c.6361G>A (p.Val2121Met)

Gene: HMCN1 (hemicentin 1; plus strand). Cytogenetic location: 1q31.1.
Variant type: single nucleotide variant.
Coding change: c.6361G>A on transcript NM_031935.3 (MANE Select); coding-DNA position 6361, G replaced by A.
Protein change: p.Val2121Met; replaces valine 2121 with methionine.
Molecular consequence: missense variant.
Genome position (GRCh38, 1-based): chr1:186,045,744, G>A. VCF-style: chr1-186045744-G-A. GRCh37 (hg19) VCF-style: chr1-186014876-G-A.
Other names: short protein forms V2121M.
Identifiers: ClinVar variation 2198305 (VCV002198305.10), dbSNP rs142475959, ClinGen allele CA1292553.

ClinVar aggregate classification (germline): Conflicting classifications of pathogenicity. Review status: criteria provided, conflicting classifications (1 of 4 stars). 2 submissions from 2 submitters: Uncertain significance (1); Likely benign (1). Last evaluated 2026-01-14.

Allele frequency attached by ClinVar (database versions not stated): 1000 Genomes Project 30x 0.00016; 1000 Genomes Project 0.00020; gnomAD 0.00021; ExAC 0.00022; ESP Exome Variant Server 0.00023; TOPMed 0.00023.
gnomAD v4.1: 798 of 1,613,280 alleles (0.049%); highest among the groups gnomAD compares: Non-Finnish European, 0.064%; 2 homozygotes.

Submissions (2):

Labcorp Genetics (formerly Invitae), Labcorp
Classification: Uncertain significance. Last evaluated: 2026-01-14. Review status: criteria provided, single submitter. Criteria: Invitae Variant Classification Sherloc (09022015). Collection method: clinical testing. Allele origin: germline.
Comment: This sequence change replaces valine, which is neutral and non-polar, with methionine, which is neutral and non-polar, at codon 2121 of the HMCN1 protein (p.Val2121Met). This variant is present in population databases (rs142475959, gnomAD 0.04%). This variant has not been reported in the literature in individuals affected with HMCN1-related conditions. ClinVar contains an entry for this variant (Variation ID: 2198305). An algorithm developed to predict the effect of missense changes on protein structure and function (PolyPhen-2) suggests that this variant is likely to be disruptive. In summary, the available evidence is currently insufficient to determine the role of this variant in disease. Therefore, it has been classified as a Variant of Uncertain Significance.

CeGaT Center for Human Genetics Tuebingen
Classification: Likely benign. Last evaluated: 2025-11-01. Review status: criteria provided, single submitter. Criteria: CeGaT Center For Human Genetics Tuebingen Variant Classification Criteria Version 2. Collection method: clinical testing. Allele origin: germline. Affected: yes. Observed: 1 variant allele.
Comment: HMCN1: BP4, BS2